The following is an entry in ClinVar:

ClinVar aggregate classification (germline): Conflicting classifications of pathogenicity. Review status: criteria provided, conflicting classifications (1 of 4 stars). 4 submissions from 4 submitters: Pathogenic (2); Uncertain significance (2). Last evaluated 2025-09-27.

Conditions:
Dilated cardiomyopathy 1KK (CMD1KK). Identifiers: Orphanet 154, Orphanet 75249, MedGen C3714995, MONDO:0014100, OMIM 615248.
Cardiovascular phenotype. Identifiers: MedGen CN230736.

gnomAD v4.1: 1 of 1,613,758 alleles (0.000062%); highest among the groups gnomAD compares: Non-Finnish European, 0.000085%; no homozygotes.

Submissions (4):

Labcorp Genetics (formerly Invitae), Labcorp
Classification: Pathogenic for Dilated cardiomyopathy 1KK. Last evaluated: 2025-09-27. Review status: criteria provided, single submitter. Criteria: Invitae Variant Classification Sherloc (09022015). Collection method: clinical testing. Allele origin: germline.
Comment: This sequence change creates a premature translational stop signal (p.Gly425*) in the MYPN gene. It is expected to result in an absent or disrupted protein product. Loss-of-function variants in MYPN are known to be pathogenic (PMID: 28017374). This variant is not present in population databases (gnomAD no frequency). This variant has not been reported in the literature in individuals affected with MYPN-related conditions. ClinVar contains an entry for this variant (Variation ID: 1312344). For these reasons, this variant has been classified as Pathogenic.

Ambry Genetics
Classification: Pathogenic for Cardiovascular phenotype. Last evaluated: 2022-09-21. Review status: criteria provided, single submitter. Criteria: Ambry Variant Classification Scheme 2023. Collection method: clinical testing. Allele origin: germline.
Comment: The p.G425* pathogenic mutation (also known as c.1273G>T), located in coding exon 5 of the MYPN gene, results from a G to T substitution at nucleotide position 1273. This changes the amino acid from a glycine to a stop codon within coding exon 5. This alteration is expected to result in loss of function by premature protein truncation or nonsense-mediated mRNA decay. As such, this alteration is interpreted as a disease-causing mutation.

AiLife Diagnostics
Classification: Uncertain significance. Last evaluated: 2021-10-05. Review status: criteria provided, single submitter. Criteria: ACMG Guidelines, 2015. Collection method: clinical testing. Allele origin: germline. Affected: yes. Observed: 1 variant allele.

GeneDx
Classification: Uncertain significance. Last evaluated: 2019-09-11. Review status: criteria provided, single submitter. Criteria: GeneDx Variant Classification Process June 2021. Collection method: clinical testing. Allele origin: germline. Affected: yes.
Comment: Not observed in large population cohorts (Lek et al., 2016); Nonsense variant predicted to result in protein truncation or nonsense mediated decay in a gene for which loss-of-function is not a known mechanism of disease; Has not been previously published as pathogenic or benign to our knowledge

Literature cited by the submitters: PubMed 28017374 (cited by Labcorp Genetics (formerly Invitae), Labcorp).

NM_032578.4(MYPN):c.1273G>T (p.Gly425Ter)

Gene: MYPN (myopalladin; plus strand). Cytogenetic location: 10q21.3.
Variant type: single nucleotide variant.
Coding change: c.1273G>T on transcript NM_032578.4 (MANE Select); coding-DNA position 1273, G replaced by T.
Protein change: p.Gly425Ter; replaces glycine 425 with a stop codon.
Molecular consequence: nonsense. On other transcripts: non-coding transcript variant (2).
Genome position (GRCh38, 1-based): chr10:68,150,067, G>T. VCF-style: chr10-68150067-G-T. GRCh37 (hg19) VCF-style: chr10-69909824-G-T.
Other names: c.1273G>T, p.Gly425Ter (NM_001256267.2); c.391G>T, p.Gly131Ter (NM_001256268.2); short protein forms G131*, G425*.
Identifiers: ClinVar variation 1312344 (VCV001312344.7), dbSNP rs777033025, ClinGen allele CA376833313.
Genomic context (GRCh38, chr10:68,150,067, plus strand): 5'-ACAATGAATTTACTGTTGCTTCCCTTCTACCAGTGTCAGAGCCCCACCAATTACTTGCAG[G>T]GATTGGATGGAAAACCTATCATTGCAGCTCCTGTGTTTACAAAGGTAATAAAAATATTAC-3'